The following is an entry in ClinVar:

NM_021961.6(TEAD1):c.330+6C>T

Genes: TEAD1 (TEA domain transcription factor 1; plus strand), LOC124421495 (Sharpr-MPRA regulatory region 11610; plus strand). Cytogenetic location: 11p15.3.
Variant type: single nucleotide variant.
Coding change: c.330+6C>T on transcript NM_021961.6 (MANE Select); 6 bases into the intron after coding-DNA position 330, C replaced by T.
Molecular consequence: intron variant.
Genome position (GRCh38, 1-based): chr11:12,864,906, C>T. VCF-style: chr11-12864906-C-T. GRCh37 (hg19) VCF-style: chr11-12886453-C-T.
Identifiers: ClinVar variation 2992745 (VCV002992745.3), dbSNP rs1014244310, ClinGen allele CA217811027.
Genomic context (GRCh38, chr11:12,864,906, plus strand): 5'-TCACATTCAGGTTCTTGCCAGAAGGAAATCTCGTGATTTTCATTCCAAGCTAAAGGTATG[C>T]GCTTTTCTGCTTTTTGGCTTGTGGTTGCTATGCATCTCACTTCCTGTTTTCCATGGTGAC-3'

ClinVar aggregate classification (germline): Uncertain significance (1 of 4 stars; one submission).

Allele frequency attached by ClinVar (database versions not stated): gnomAD exomes below 0.00001; TOPMed 0.00002.
gnomAD v4.1: 8 of 1,614,060 alleles (0.0005%); highest among the groups gnomAD compares: African/African-American, 0.0013%; no homozygotes.

Submission:

Labcorp Genetics (formerly Invitae), Labcorp
Classification: Uncertain significance. Last evaluated: 2023-01-06. Review status: criteria provided, single submitter. Criteria: Invitae Variant Classification Sherloc (09022015). Collection method: clinical testing. Allele origin: germline.
Comment: Variants that disrupt the consensus splice site are a relatively common cause of aberrant splicing (PMID: 17576681, 9536098). Algorithms developed to predict the effect of sequence changes on RNA splicing suggest that this variant is not likely to affect RNA splicing. In summary, the available evidence is currently insufficient to determine the role of this variant in disease. Therefore, it has been classified as a Variant of Uncertain Significance. This variant has not been reported in the literature in individuals affected with TEAD1-related conditions. This sequence change falls in intron 5 of the TEAD1 gene. It does not directly change the encoded amino acid sequence of the TEAD1 protein. It affects a nucleotide within the consensus splice site. This variant is present in population databases (no rsID available, gnomAD 0.0009%).

Literature cited by the submitters: PubMed 17576681; PubMed 9536098.